The following is an entry in ClinVar:

ClinVar aggregate classification (germline): Uncertain significance (1 of 4 stars; one submission).

Conditions:
Hepatic veno-occlusive disease-immunodeficiency syndrome. Also called: Hepatic Veno-Occlusive Disease with Immunodeficiency. Identifiers: Orphanet 79124, MedGen C1856128, MONDO:0009338, OMIM 235550. Disease mechanism: loss of function.

Submission:

Labcorp Genetics (formerly Invitae), Labcorp
Classification: Uncertain significance for Hepatic veno-occlusive disease-immunodeficiency syndrome. Last evaluated: 2025-10-15. Review status: criteria provided, single submitter. Criteria: Invitae Variant Classification Sherloc (09022015). Collection method: clinical testing. Allele origin: germline.
Comment: This sequence change replaces aspartic acid, which is acidic and polar, with tyrosine, which is neutral and polar, at codon 670 of the SP110 protein (p.Asp670Tyr). This variant is not present in population databases (gnomAD no frequency). This variant has not been reported in the literature in individuals affected with SP110-related conditions. An algorithm developed to predict the effect of missense changes on protein structure and function (PolyPhen-2) suggests that this variant is likely to be disruptive. In summary, the available evidence is currently insufficient to determine the role of this variant in disease. Therefore, it has been classified as a Variant of Uncertain Significance.

NM_080424.4(SP110):c.2080G>T (p.Asp694Tyr)

Gene: SP110 (SP110 nuclear body protein; minus strand). Cytogenetic location: 2q37.1.
Variant type: single nucleotide variant.
Coding change: c.2080G>T on transcript NM_080424.4 (MANE Select); coding-DNA position 2080, G replaced by T.
Protein change: p.Asp694Tyr; replaces aspartic acid 694 with tyrosine.
Molecular consequence: missense variant.
Genome position (GRCh38, 1-based): chr2:230,169,186, C>A on the plus strand (G>T on the coding strand, the complement: SP110 is on the minus strand). VCF-style: chr2-230169186-C-A. GRCh37 (hg19) VCF-style: chr2-231033902-C-A.
Other names: c.2176G>T, p.Asp726Tyr (NM_001378442.1); c.2158G>T, p.Asp720Tyr (NM_001378443.1); c.2098G>T, p.Asp700Tyr (NM_001378444.1); c.2026G>T, p.Asp676Tyr (NM_001378445.1); c.1885G>T, p.Asp629Tyr (NM_001378446.1); c.2008G>T, p.Asp670Tyr (NM_004509.5); short protein forms D629Y, D670Y, D720Y, D676Y, D694Y, D700Y, D726Y.
Identifiers: ClinVar variation 4715551 (VCV004715551.1).